The following is an entry in ClinVar:

NM_004168.4(SDHA):c.52C>G (p.Leu18Val)

Gene: SDHA (succinate dehydrogenase complex flavoprotein subunit A; plus strand). Cytogenetic location: 5p15.33.
Variant type: single nucleotide variant.
Coding change: c.52C>G on transcript NM_004168.4 (MANE Select); coding-DNA position 52, C replaced by G.
Protein change: p.Leu18Val; replaces leucine 18 with valine.
Molecular consequence: missense variant.
Genome position (GRCh38, 1-based): chr5:218,407, C>G. VCF-style: chr5-218407-C-G. GRCh37 (hg19) VCF-style: chr5-218522-C-G.
Other names: c.52C>G, p.Leu18Val (NM_001294332.2, NM_001330758.2); short protein forms L18V.
Identifiers: ClinVar variation 486400 (VCV000486400.14), dbSNP rs1553996372, ClinGen allele CA359007420.

ClinVar aggregate classification (germline): Conflicting classifications of pathogenicity. Review status: criteria provided, conflicting classifications (1 of 4 stars). 2 submissions from 2 submitters: Uncertain significance (1); Likely benign (1). Last evaluated 2025-12-16.

Conditions:
Mitochondrial complex II deficiency, nuclear type 1. Also called: SUCCINATE CoQ REDUCTASE DEFICIENCY. Identifiers: Orphanet 3208, MedGen C5700310, MONDO:0100294, OMIM 252011.
Pheochromocytoma/paraganglioma syndrome 5. Also called: Paragangliomas 5; SDHA-Related Hereditary Paraganglioma-Pheochromocytoma Syndrome. Identifiers: Orphanet 29072, MedGen C3279992, MONDO:0013602, OMIM 614165.
Hereditary cancer-predisposing syndrome. Also called: Neoplastic Syndromes, Hereditary; Hereditary Cancer Syndrome; Hereditary neoplastic syndrome; Tumor predisposition. Identifiers: Orphanet 140162, MedGen C0027672, MeSH D009386, MONDO:0015356.

Submissions (2):

Ambry Genetics
Classification: Likely benign for Hereditary cancer-predisposing syndrome. Last evaluated: 2025-12-16. Review status: criteria provided, single submitter. Criteria: Ambry Variant Classification Scheme 2023. Collection method: clinical testing. Allele origin: germline.

Labcorp Genetics (formerly Invitae), Labcorp
Classification: Uncertain significance for Pheochromocytoma/paraganglioma syndrome 5; Mitochondrial complex II deficiency, nuclear type 1. Last evaluated: 2025-07-30. Review status: criteria provided, single submitter. Criteria: Invitae Variant Classification Sherloc (09022015). Collection method: clinical testing. Allele origin: germline.
Comment: This sequence change replaces leucine, which is neutral and non-polar, with valine, which is neutral and non-polar, at codon 18 of the SDHA protein (p.Leu18Val). This variant is not present in population databases (gnomAD no frequency). This variant has not been reported in the literature in individuals affected with SDHA-related conditions. ClinVar contains an entry for this variant (Variation ID: 486400). Invitae Evidence Modeling of protein sequence and biophysical properties (such as structural, functional, and spatial information, amino acid conservation, physicochemical variation, residue mobility, and thermodynamic stability) indicates that this missense variant is not expected to disrupt SDHA protein function with a negative predictive value of 95%. In summary, the available evidence is currently insufficient to determine the role of this variant in disease. Therefore, it has been classified as a Variant of Uncertain Significance.